The following is an entry in ClinVar:

ClinVar aggregate classification (germline): Uncertain significance. Review status: criteria provided, multiple submitters, no conflicts (2 of 4 stars). 2 submissions from 2 submitters: Uncertain significance (2). Last evaluated 2025-06-17.

Conditions:
Hypertrophic cardiomyopathy. Also called: HYPERTROPHIC MYOCARDIOPATHY. Identifiers: Orphanet 217569, MedGen C0007194, MeSH D002312, MONDO:0005045, HP:0001639.

Allele frequency attached by ClinVar (database versions not stated): gnomAD exomes 0.00002.
gnomAD v4.1: 13 of 1,613,330 alleles (0.00081%); highest among the groups gnomAD compares: Admixed American, 0.005%; no homozygotes.

Submissions (2):

Labcorp Genetics (formerly Invitae), Labcorp
Classification: Uncertain significance for Hypertrophic cardiomyopathy. Last evaluated: 2025-06-17. Review status: criteria provided, single submitter. Criteria: Invitae Variant Classification Sherloc (09022015). Collection method: clinical testing. Allele origin: germline.
Comment: This sequence change replaces asparagine, which is neutral and polar, with lysine, which is basic and polar, at codon 522 of the MYOM1 protein (p.Asn522Lys). This variant is present in population databases (no rsID available, gnomAD 0.003%). This variant has not been reported in the literature in individuals affected with MYOM1-related conditions. ClinVar contains an entry for this variant (Variation ID: 1406227). Invitae Evidence Modeling of protein sequence and biophysical properties (such as structural, functional, and spatial information, amino acid conservation, physicochemical variation, residue mobility, and thermodynamic stability) indicates that this missense variant is expected to disrupt MYOM1 protein function with a positive predictive value of 80%. In summary, the available evidence is currently insufficient to determine the role of this variant in disease. Therefore, it has been classified as a Variant of Uncertain Significance.

Ambry Genetics
Classification: Uncertain significance. Last evaluated: 2024-06-24. Review status: criteria provided, single submitter. Criteria: Ambry Variant Classification Scheme 2023. Collection method: clinical testing. Allele origin: germline.
Comment: The p.N522K variant (also known as c.1566C>A), located in coding exon 10 of the MYOM1 gene, results from a C to A substitution at nucleotide position 1566. The asparagine at codon 522 is replaced by lysine, an amino acid with similar properties. This amino acid position is conserved. In addition, this alteration is predicted to be tolerated by in silico analysis. Since supporting evidence is limited at this time, the clinical significance of this alteration remains unclear.

NM_003803.4(MYOM1):c.1566C>A (p.Asn522Lys)

Gene: MYOM1 (myomesin 1; minus strand). Cytogenetic location: 18p11.31.
Variant type: single nucleotide variant.
Coding change: c.1566C>A on transcript NM_003803.4 (MANE Select); coding-DNA position 1566, C replaced by A.
Protein change: p.Asn522Lys; replaces asparagine 522 with lysine.
Molecular consequence: missense variant.
Genome position (GRCh38, 1-based): chr18:3,155,024, G>T on the plus strand (C>A on the coding strand, the complement: MYOM1 is on the minus strand). VCF-style: chr18-3155024-G-T. GRCh37 (hg19) VCF-style: chr18-3155022-G-T.
Other names: c.1566C>A, p.Asn522Lys (NM_019856.2); short protein forms N522K.
Identifiers: ClinVar variation 1406227 (VCV001406227.12), dbSNP rs989664122, ClinGen allele CA295532900.